The following is an entry in ClinVar:

NM_001039141.3(TRIOBP):c.4370G>A (p.Gly1457Glu)

Gene: TRIOBP (TRIO and F-actin binding protein; plus strand). Cytogenetic location: 22q13.1.
Variant type: single nucleotide variant.
Coding change: c.4370G>A on transcript NM_001039141.3 (MANE Select); coding-DNA position 4370, G replaced by A.
Protein change: p.Gly1457Glu; replaces glycine 1457 with glutamic acid.
Molecular consequence: missense variant.
Genome position (GRCh38, 1-based): chr22:37,734,706, G>A. VCF-style: chr22-37734706-G-A. GRCh37 (hg19) VCF-style: chr22-38130713-G-A.
Other names: c.4370G>A (NM_001039141.2); short protein forms G1457E.
Identifiers: ClinVar variation 1386524 (VCV001386524.7), dbSNP rs374419542, ClinGen allele CA10224365.
Genomic context (GRCh38, chr22:37,734,706, plus strand): 5'-AGGGCCCTCATAGACACCTAGAAAGGAGCTGGAGCAGCCAGGAGGGAGGCCTGGGCCCTG[G>A]GGGCTGGTGGGGATGTGGAGAGCCCAGCCTGGGGGCAGCCAAAGCCCCGGAGGGAGCATG-3'
Protein context (NP_001034230.1, residues 1447-1467): WSSQEGGLGP[Gly1457Glu]GWWGCGEPSL

ClinVar aggregate classification (germline): Uncertain significance. Review status: criteria provided, single submitter (1 of 4 stars). 2 submissions from 2 submitters: Uncertain significance (1). 1 of the submissions does not count toward it. Last evaluated 2025-11-10.

Conditions:
TRIOBP-related disorder. Also called: TRIOBP-related condition.

Allele frequency attached by ClinVar (database versions not stated): gnomAD exomes 0.00010; ExAC 0.00013; 1000 Genomes Project 30x 0.00016; 1000 Genomes Project 0.00020; ESP Exome Variant Server 0.00027; gnomAD 0.00042 and 0.00044; TOPMed 0.00051.
gnomAD v4.1: 120 of 1,607,752 alleles (0.0075%); highest among the groups gnomAD compares: African/African-American, 0.15%; no homozygotes.

Submissions (2):

Labcorp Genetics (formerly Invitae), Labcorp
Classification: Uncertain significance. Last evaluated: 2025-11-10. Review status: criteria provided, single submitter. Criteria: Invitae Variant Classification Sherloc (09022015). Collection method: clinical testing. Allele origin: germline.
Comment: This sequence change replaces glycine, which is neutral and non-polar, with glutamic acid, which is acidic and polar, at codon 1457 of the TRIOBP protein (p.Gly1457Glu). This variant is present in population databases (rs374419542, gnomAD 0.2%). This variant has not been reported in the literature in individuals affected with TRIOBP-related conditions. ClinVar contains an entry for this variant (Variation ID: 1386524). An algorithm developed to predict the effect of missense changes on protein structure and function outputs the following: PolyPhen-2: "Benign". The glutamic acid amino acid residue is found in multiple mammalian species, which suggests that this missense change does not adversely affect protein function. In summary, the available evidence is currently insufficient to determine the role of this variant in disease. Therefore, it has been classified as a Variant of Uncertain Significance.

PreventionGenetics, part of Exact Sciences
Classification: Likely benign for TRIOBP-related condition. Last evaluated: 2024-04-10. Review status: no assertion criteria provided. Collection method: clinical testing. Allele origin: germline. Not counted in ClinVar's aggregate classification.
Comment: This variant is classified as likely benign based on ACMG/AMP sequence variant interpretation guidelines (Richards et al. 2015 PMID: 25741868, with internal and published modifications).